The following is an entry in ClinVar:

NM_001114753.3(ENG):c.427A>G (p.Lys143Glu)

Gene: ENG (endoglin; minus strand). Cytogenetic location: 9q34.11.
Variant type: single nucleotide variant.
Coding change: c.427A>G on transcript NM_001114753.3 (MANE Select); coding-DNA position 427, A replaced by G.
Protein change: p.Lys143Glu; replaces lysine 143 with glutamic acid.
Molecular consequence: missense variant. On other transcripts: 5 prime UTR variant (1).
Genome position (GRCh38, 1-based): chr9:127,826,606, T>C on the plus strand (A>G on the coding strand, the complement: ENG is on the minus strand). VCF-style: chr9-127826606-T-C. GRCh37 (hg19) VCF-style: chr9-130588885-T-C.
Other names: c.427A>G, p.Lys143Glu (NM_000118.4, NM_001406715.1); c.-120A>G (NM_001278138.2); short protein forms K143E.
Identifiers: ClinVar variation 4870442 (VCV004870442.1).

ClinVar aggregate classification (germline): Uncertain significance (1 of 4 stars; one submission).

Conditions:
Cardiovascular phenotype. Identifiers: MedGen CN230736.

Submission:

Ambry Genetics
Classification: Uncertain significance for Cardiovascular phenotype. Last evaluated: 2026-04-11. Review status: criteria provided, single submitter. Criteria: Ambry Variant Classification Scheme 2023. Collection method: clinical testing. Allele origin: germline.
Comment: The p.K143E variant (also known as c.427A>G), located in coding exon 4 of the ENG gene, results from an A to G substitution at nucleotide position 427. The lysine at codon 143 is replaced by glutamic acid, an amino acid with similar properties. This amino acid position is conserved. In addition, this alteration is predicted to be tolerated by in silico analysis. Based on the available evidence, the clinical significance of this variant remains unclear.